The following is an entry in ClinVar:

NM_194277.3(FRMD7):c.987A>G (p.Pro329=)

Gene: FRMD7 (FERM domain containing 7; minus strand). Cytogenetic location: Xq26.2.
Variant type: single nucleotide variant.
Coding change: c.987A>G on transcript NM_194277.3 (MANE Select); coding-DNA position 987, A replaced by G.
Protein change: p.Pro329=; no amino-acid change (proline 329 retained).
Molecular consequence: synonymous variant.
Genome position (GRCh38, 1-based): chrX:132,080,069, T>C on the plus strand (A>G on the coding strand, the complement: FRMD7 is on the minus strand). VCF-style: chrX-132080069-T-C. GRCh37 (hg19) VCF-style: chrX-131214097-T-C.
Other names: c.987A>G (NM_194277.2); c.942A>G, p.Pro314= (NM_001306193.2).
Identifiers: ClinVar variation 1168097 (VCV001168097.12), dbSNP rs149159499, ClinGen allele CA10518923.

ClinVar aggregate classification (germline): Benign/Likely benign. Review status: criteria provided, multiple submitters, no conflicts (2 of 4 stars). 3 submissions from 3 submitters: Benign (1); Likely benign (1). 1 of the submissions does not count toward it. Last evaluated 2025-12-22.

Conditions:
FRMD7-related disorder. Also called: FRMD7-related condition.

Allele frequency attached by ClinVar (database versions not stated): gnomAD exomes 0.00002 and 0.00003; ExAC 0.00006; ESP Exome Variant Server 0.00009; gnomAD 0.00012 and 0.00013; TOPMed 0.00013; 1000 Genomes Project 30x 0.00042; 1000 Genomes Project 0.00053.

Submissions (3):

Labcorp Genetics (formerly Invitae), Labcorp
Classification: Benign. Last evaluated: 2025-12-22. Review status: criteria provided, single submitter. Criteria: Invitae Variant Classification Sherloc (09022015). Collection method: clinical testing. Allele origin: germline.

Blueprint Genetics
Classification: Likely benign. Last evaluated: 2024-10-09. Review status: criteria provided, single submitter. Criteria: ACMG Guidelines, 2015. Collection method: clinical testing. Allele origin: germline.

PreventionGenetics, part of Exact Sciences
Classification: Likely benign for FRMD7-related condition. Last evaluated: 2019-08-07. Review status: no assertion criteria provided. Collection method: clinical testing. Allele origin: germline. Not counted in ClinVar's aggregate classification.
Comment: This variant is classified as likely benign based on ACMG/AMP sequence variant interpretation guidelines (Richards et al. 2015 PMID: 25741868, with internal and published modifications).